The following is an entry in ClinVar:

NM_000214.3(JAG1):c.1706C>G (p.Thr569Arg)

Gene: JAG1 (jagged canonical Notch ligand 1; minus strand). Cytogenetic location: 20p12.2.
Variant type: single nucleotide variant.
Coding change: c.1706C>G on transcript NM_000214.3 (MANE Select); coding-DNA position 1706, C replaced by G.
Protein change: p.Thr569Arg; replaces threonine 569 with arginine.
Molecular consequence: missense variant.
Genome position (GRCh38, 1-based): chr20:10,647,974, G>C on the plus strand (C>G on the coding strand, the complement: JAG1 is on the minus strand). VCF-style: chr20-10647974-G-C. GRCh37 (hg19) VCF-style: chr20-10628622-G-C.
Other names: short protein forms T569R.
Identifiers: ClinVar variation 1778452 (VCV001778452.2), dbSNP rs368438076, ClinGen allele CA408236726.

ClinVar aggregate classification (germline): Uncertain significance (1 of 4 stars; one submission).

Conditions:
Cardiovascular phenotype. Identifiers: MedGen CN230736.

gnomAD v4.1: 1 of 1,614,136 alleles (0.000062%); highest among the groups gnomAD compares: Non-Finnish European, 0.000085%; no homozygotes.

Submission:

Ambry Genetics
Classification: Uncertain significance for Cardiovascular phenotype. Last evaluated: 2022-03-07. Review status: criteria provided, single submitter. Criteria: Ambry Variant Classification Scheme 2023. Collection method: clinical testing. Allele origin: germline.
Comment: The p.T569R variant (also known as c.1706C>G), located in coding exon 13 of the JAG1 gene, results from a C to G substitution at nucleotide position 1706. The threonine at codon 569 is replaced by arginine, an amino acid with similar properties. This amino acid position is conserved. In addition, this alteration is predicted to be deleterious by in silico analysis. Since supporting evidence is limited at this time, the clinical significance of this alteration remains unclear.